The following is an entry in ClinVar:

NM_005585.5(SMAD6):c.1474del (p.Leu492fs)

Gene: SMAD6 (SMAD family member 6; plus strand). Cytogenetic location: 15q22.31.
Variant type: Deletion.
Coding change: c.1474del on transcript NM_005585.5 (MANE Select); coding-DNA position 1474, one base deleted (C; older notation c.1474delC).
Protein change: p.Leu492fs; shifts the reading frame from leucine 492.
Molecular consequence: frameshift variant. On other transcripts: non-coding transcript variant (1).
Genome position (GRCh38, 1-based): chr15:66,781,518, C deleted; the last of 2 consecutive C bases (chr15:66,781,517-66,781,518); deleting either gives the same sequence. VCF-style (leftmost placement, unchanged base first): chr15-66781516-TC-T. GRCh37 (hg19) VCF-style: chr15-67073854-TC-T.
Other names: short protein forms L492fs.
Identifiers: ClinVar variation 4282035 (VCV004282035.1).

ClinVar aggregate classification (germline): Uncertain significance (1 of 4 stars; one submission).

Submission:

GeneDx
Classification: Uncertain significance. Last evaluated: 2025-04-09. Review status: criteria provided, single submitter. Criteria: GeneDx Variant Classification Process June 2021. Collection method: clinical testing. Allele origin: germline. Affected: yes.
Comment: Not observed at significant frequency in large population cohorts (gnomAD); Frameshift variant predicted to result in abnormal protein length as the last 5 amino acid(s) are replaced with 46 different amino acid(s); Has not been previously published as pathogenic or benign to our knowledge